The following is an entry in ClinVar:

ClinVar aggregate classification (germline): Pathogenic. Review status: reviewed by expert panel (3 of 4 stars). 4 submissions from 4 submitters: Pathogenic (1). 3 of the submissions do not count toward it. Last evaluated 2026-01-15.

Conditions:
Severe combined immunodeficiency disease. Also called: Severe combined immunodeficiency; Severe Combined Immune Deficiency. Identifiers: Orphanet 183660, MedGen C0085110, MeSH D016511, MONDO:0015974, HP:0004430. Inheritance: X-Linked or Autosomal recessive.
Severe combined immunodeficiency, autosomal recessive, T cell-negative, B cell-negative, NK cell-positive. Also called: SCID, T CELL-NEGATIVE, B CELL-NEGATIVE, NK CELL-POSITIVE; SCID, AR, T-cell negative, B-cell negative, NK cell-positive; Severe combined immunodeficiency due to complete RAG1/2 deficiency. Identifiers: Orphanet 331206, MedGen C1832322, MONDO:0011086, OMIM 601457.
Combined immunodeficiency with skin granulomas. Identifiers: Orphanet 157949, MedGen C2673536, MONDO:0009306, OMIM 233650.
Recombinase activating gene 1 deficiency. Identifiers: MedGen CN375631, MONDO:0000572.
Histiocytic medullary reticulosis. Also called: SEVERE COMBINED IMMUNODEFICIENCY WITH HYPEREOSINOPHILIA; Omenn syndrome. Identifiers: Orphanet 39041, MedGen C2700553, MONDO:0011338, OMIM 603554.
Combined immunodeficiency due to partial RAG1 deficiency. Identifiers: Orphanet 231154, MedGen C1835931, MONDO:0012359, OMIM 609889.

gnomAD v4.1: 3 of 1,614,084 alleles (0.00019%); highest among the groups gnomAD compares: African/African-American, 0.0013%; no homozygotes.

Submissions (4):

ClinGen Severe Combined Immunodeficiency Variant Curation Expert Panel, ClinGen
Classification: Pathogenic for Recombinase activating gene 1 deficiency. Last evaluated: 2026-01-15. Review status: reviewed by expert panel. Criteria: ClinGen SCID ACMG Specifications RAG1 V2.1.0. Collection method: curation. Allele origin: germline. Inheritance: Autosomal recessive inheritance.
Comment: NM_000448.3(RAG1): c.612G>A creates a premature translational stop signal (p.Trp204Ter) in the RAG1 gene. This variant is not predicted to trigger nonsense mediated decay, It is expected to disrupt the final 840 amino acids of the RAG1 protein, a region critical for its function (PVS1). The Grpmax Filtering allele frequency of this variant is 0.000001859 in gnomAD v4.1.0, which is lower than the ClinGen SCID-VCEP threshold (< 0.000102) for PM2, therefore, PM2_supporting is met. This variant has not been reported in the literature in individuals affected with RAG1-related conditions. An in vitro V(D)J recombination activity assay showed that the variant retains 0.4 +/- 0.1 % of wild type activity, supporting a damaging effect on the protein (PS3_Moderate, Data from Dr. Notarangelo lab). In summary, this variant meets the criteria to be classified as a Pathogenic variant for autosomal recessive severe combined immunodeficiency due to RAG1 deficiency based on the ACMG/AMP criteria applied, as specified by the ClinGen SCID VCEP: PVS1, PM2_supporting, and PS3_moderate (VCEP specifications version 2.1.0).

Labcorp Genetics (formerly Invitae), Labcorp
Classification: Pathogenic for Combined immunodeficiency with skin granulomas; Severe combined immunodeficiency, autosomal recessive, T cell-negative, B cell-negative, NK cell-positive. Last evaluated: 2026-01-05. Review status: criteria provided, single submitter. Criteria: Invitae Variant Classification Sherloc (09022015). Collection method: clinical testing. Allele origin: germline. Not counted in ClinVar's aggregate classification.
Comment: This sequence change creates a premature translational stop signal (p.Trp204*) in the RAG1 gene. While this is not anticipated to result in nonsense mediated decay, it is expected to disrupt the last 840 amino acid(s) of the RAG1 protein. This variant is present in population databases (no rsID available, gnomAD 0.003%). This variant has not been reported in the literature in individuals affected with RAG1-related conditions. ClinVar contains an entry for this variant (Variation ID: 2943710). This variant disrupts a region of the RAG1 protein in which other variant(s) (p.Cys328Tyr) have been determined to be pathogenic (PMID: 11133745, 17572155, 18056378, 24290284; internal data). This suggests that this is a clinically significant region of the protein, and that variants that disrupt it are likely to be disease-causing. For these reasons, this variant has been classified as Pathogenic.

Women's Health and Genetics/Laboratory Corporation of America, LabCorp
Classification: Pathogenic for Severe combined immunodeficiency disease. Last evaluated: 2025-03-20. Review status: criteria provided, single submitter. Criteria: LabCorp Variant Classification Summary - May 2015. Collection method: clinical testing. Allele origin: germline. Not counted in ClinVar's aggregate classification.
Comment: Variant summary: RAG1 c.612G>A (p.Trp204X) results in a premature termination codon, predicted to cause a truncation of the encoded protein or absence of the protein due to nonsense mediated decay, which are commonly known mechanisms for disease. The variant allele was found at a frequency of 4e-06 in 250718 control chromosomes. To our knowledge, no occurrence of c.612G>A in individuals affected with Severe Combined Immunodeficiency and no experimental evidence demonstrating its impact on protein function have been reported. ClinVar contains an entry for this variant (Variation ID: 2943710). Based on the evidence outlined above, the variant was classified as pathogenic.

Fulgent Genetics
Classification: Pathogenic for Combined immunodeficiency with skin granulomas; Severe combined immunodeficiency, autosomal recessive, T cell-negative, B cell-negative, NK cell-positive; Histiocytic medullary reticulosis; Combined immunodeficiency due to partial RAG1 deficiency. Last evaluated: 2024-04-04. Review status: criteria provided, single submitter. Criteria: ACMG Guidelines, 2015. Collection method: clinical testing. Allele origin: germline. Not counted in ClinVar's aggregate classification.

Literature cited by the submitters: PubMed 11133745 (cited by Labcorp Genetics (formerly Invitae), Labcorp); PubMed 17572155 (cited by Labcorp Genetics (formerly Invitae), Labcorp); PubMed 18056378 (cited by Labcorp Genetics (formerly Invitae), Labcorp); PubMed 24290284 (cited by Labcorp Genetics (formerly Invitae), Labcorp).

NM_000448.3(RAG1):c.612G>A (p.Trp204Ter)

Gene: RAG1 (recombination activating 1; plus strand). Cytogenetic location: 11p12.
Variant type: single nucleotide variant.
Coding change: c.612G>A on transcript NM_000448.3 (MANE Select); coding-DNA position 612, G replaced by A.
Protein change: p.Trp204Ter; replaces tryptophan 204 with a stop codon.
Molecular consequence: nonsense.
Genome position (GRCh38, 1-based): chr11:36,573,916, G>A. VCF-style: chr11-36573916-G-A. GRCh37 (hg19) VCF-style: chr11-36595466-G-A.
Other names: NM_000448.3(RAG1):c.612G>A; p.Trp204Ter; c.612G>A, p.Trp204Ter (NM_001377277.1, NM_001377278.1, NM_001377279.1 and 1 more transcripts); short protein forms W204*.
Identifiers: ClinVar variation 2943710 (VCV002943710.6), dbSNP rs1199316807, ClinGen allele CA380147121.